The following is an entry in ClinVar:

NM_021100.5(NFS1):c.780C>T (p.Tyr260=)

Gene: NFS1 (NFS1 cysteine desulfurase; minus strand). Cytogenetic location: 20q11.22.
Variant type: single nucleotide variant.
Coding change: c.780C>T on transcript NM_021100.5 (MANE Select); coding-DNA position 780, C replaced by T.
Protein change: p.Tyr260=; no amino-acid change (tyrosine 260 retained).
Molecular consequence: synonymous variant. On other transcripts: non-coding transcript variant (1).
Genome position (GRCh38, 1-based): chr20:35,680,747, G>A on the plus strand (C>T on the coding strand, the complement: NFS1 is on the minus strand). VCF-style: chr20-35680747-G-A. GRCh37 (hg19) VCF-style: chr20-34268669-G-A.
Other names: c.627C>T, p.Tyr209= (NM_001198989.2).
Identifiers: ClinVar variation 514797 (VCV000514797.1), dbSNP rs373163733, ClinGen allele CA9837156.

ClinVar aggregate classification (germline): Likely benign (1 of 4 stars; one submission).

Allele frequency attached by ClinVar (database versions not stated): gnomAD exomes 0.00001; TOPMed 0.00003; ExAC 0.00004; ESP Exome Variant Server 0.00008.
gnomAD v4.1: 15 of 1,550,542 alleles (0.00097%); highest among the groups gnomAD compares: East Asian, 0.0074%; no homozygotes.

Submission:

GeneDx
Classification: Likely benign. Last evaluated: 2018-02-02. Review status: criteria provided, single submitter. Criteria: GeneDx Variant Classification (06012015). Collection method: clinical testing. Allele origin: germline. Affected: yes.
Comment: This variant is considered likely benign or benign based on one or more of the following criteria: it is a conservative change, it occurs at a poorly conserved position in the protein, it is predicted to be benign by multiple in silico algorithms, and/or has population frequency not consistent with disease.